The following is an entry in ClinVar:

ClinVar aggregate classification (germline): Conflicting classifications of pathogenicity. Review status: criteria provided, conflicting classifications (1 of 4 stars). 6 submissions from 6 submitters: Uncertain significance (4); Likely benign (1). 1 of the submissions does not count toward it. Last evaluated 2025-08-12.

Conditions:
Megacystis-microcolon-intestinal hypoperistalsis syndrome 1. Identifiers: MedGen C5542316, MONDO:0100354, OMIM 249210.
Aortic aneurysm, familial thoracic 7 (AAT7). Also called: AORTIC DISSECTION, FAMILIAL, WITH OR WITHOUT AORTIC ANEURYSM. Identifiers: MedGen C3151077, MONDO:0013418, OMIM 613780.
MYLK-related disorder. Also called: MYLK-related condition.
Familial thoracic aortic aneurysm and aortic dissection (TAAD). Also called: Thoracic aortic aneurysms and dissections. Identifiers: Orphanet 91387, MedGen C4707243, MONDO:0019625.

Allele frequency attached by ClinVar (database versions not stated): ExAC 0.00002; gnomAD exomes 0.00003; ESP Exome Variant Server 0.00015; gnomAD 0.00018 and 0.00021; TOPMed 0.00021.

Submissions (6):

Ambry Genetics
Classification: Likely benign for Familial thoracic aortic aneurysm and aortic dissection. Last evaluated: 2025-08-12. Review status: criteria provided, single submitter. Criteria: Ambry Variant Classification Scheme 2023. Collection method: clinical testing. Allele origin: germline.

Labcorp Genetics (formerly Invitae), Labcorp
Classification: Uncertain significance for Aortic aneurysm, familial thoracic 7. Last evaluated: 2025-01-28. Review status: criteria provided, single submitter. Criteria: Invitae Variant Classification Sherloc (09022015). Collection method: clinical testing. Allele origin: germline.
Comment: This sequence change replaces arginine, which is basic and polar, with tryptophan, which is neutral and slightly polar, at codon 538 of the MYLK protein (p.Arg538Trp). This variant is present in population databases (rs55672414, gnomAD 0.02%). This variant has not been reported in the literature in individuals affected with MYLK-related conditions. ClinVar contains an entry for this variant (Variation ID: 539078). Invitae Evidence Modeling of protein sequence and biophysical properties (such as structural, functional, and spatial information, amino acid conservation, physicochemical variation, residue mobility, and thermodynamic stability) indicates that this missense variant is not expected to disrupt MYLK protein function with a negative predictive value of 80%. In summary, the available evidence is currently insufficient to determine the role of this variant in disease. Therefore, it has been classified as a Variant of Uncertain Significance.

Women's Health and Genetics/Laboratory Corporation of America, LabCorp
Classification: Uncertain significance. Last evaluated: 2023-07-21. Review status: criteria provided, single submitter. Criteria: LabCorp Variant Classification Summary - May 2015. Collection method: clinical testing. Allele origin: germline.

Fulgent Genetics
Classification: Uncertain significance for Megacystis-microcolon-intestinal hypoperistalsis syndrome 1; Aortic aneurysm, familial thoracic 7. Last evaluated: 2021-07-28. Review status: criteria provided, single submitter. Criteria: ACMG Guidelines, 2015. Collection method: clinical testing. Allele origin: unknown.

Breakthrough Genomics
Classification: Uncertain significance. Review status: criteria provided, single submitter. Criteria: ACMG Guidelines, 2015. Collection method: not provided. Allele origin: germline. Inheritance: Autosomal recessive inheritance. Affected: yes.

PreventionGenetics, part of Exact Sciences
Classification: Uncertain significance for MYLK-related condition. Last evaluated: 2024-07-14. Review status: no assertion criteria provided. Collection method: clinical testing. Allele origin: germline. Not counted in ClinVar's aggregate classification.
Comment: The MYLK c.1612C>T variant is predicted to result in the amino acid substitution p.Arg538Trp. To our knowledge, this variant has not been reported in the literature. This variant is reported in 0.020% of alleles in individuals of African descent in gnomAD. At this time, the clinical significance of this variant is uncertain due to the absence of conclusive functional and genetic evidence.

NM_053025.4(MYLK):c.1612C>T (p.Arg538Trp)

Gene: MYLK (myosin light chain kinase; minus strand). Cytogenetic location: 3q21.1.
Variant type: single nucleotide variant.
Coding change: c.1612C>T on transcript NM_053025.4 (MANE Select); coding-DNA position 1612, C replaced by T.
Protein change: p.Arg538Trp; replaces arginine 538 with tryptophan.
Molecular consequence: missense variant.
Genome position (GRCh38, 1-based): chr3:123,725,983, G>A on the plus strand (C>T on the coding strand, the complement: MYLK is on the minus strand). VCF-style: chr3-123725983-G-A. GRCh37 (hg19) VCF-style: chr3-123444830-G-A.
Other names: c.1084C>T, p.Arg362Trp (NM_001321309.2); c.1405C>T, p.Arg469Trp (NM_053026.4, NM_053028.4); c.1612C>T, p.Arg538Trp (NM_053027.4); short protein forms R538W, R362W, R469W.
Identifiers: ClinVar variation 539078 (VCV000539078.11), dbSNP rs55672414, ClinGen allele CA067256.